The following is an entry in ClinVar:

ClinVar aggregate classification (germline): Likely pathogenic. Review status: criteria provided, multiple submitters, no conflicts (2 of 4 stars). 3 submissions from 3 submitters: Likely pathogenic (2). 1 of the submissions does not count toward it. Last evaluated 2021-07-21.

Conditions:
Neuronal ceroid lipofuscinosis. Also called: Neuronal Ceroid Lipofuscinoses. Identifiers: Orphanet 216, Orphanet 79263, MedGen C0027877, MONDO:0016295. Disease mechanism: loss of function.
Neuronal ceroid lipofuscinosis 2. Also called: JANSKY-BIELSCHOWSKY DISEASE NEURONAL CEROID LIPOFUSCINOSIS, LATE INFANTILE; TPP1-Related Neuronal Ceroid-Lipofuscinosis. Identifiers: Orphanet 168491, Orphanet 228349, Orphanet 79264, MedGen C1876161, MONDO:0008769, OMIM 204500.

Submissions (3):

Labcorp Genetics (formerly Invitae), Labcorp
Classification: Likely pathogenic. Last evaluated: 2021-07-21. Review status: criteria provided, single submitter. Criteria: Invitae Variant Classification Sherloc (09022015). Collection method: clinical testing. Allele origin: germline.
Comment: This variant is not present in population databases (ExAC no frequency). This sequence change affects an acceptor splice site in intron 4 of the TPP1 gene. It is expected to disrupt RNA splicing. Variants that disrupt the donor or acceptor splice site typically lead to a loss of protein function (PMID: 16199547), and loss-of-function variants in TPP1 are known to be pathogenic (PMID: 10330339). Disruption of this splice site has been observed in individual(s) with late-infantile neuronal ceroid lipofuscinosis (PMID: 11339651). ClinVar contains an entry for this variant (Variation ID: 495859). Algorithms developed to predict the effect of sequence changes on RNA splicing suggest that this variant may disrupt the consensus splice site. In summary, the currently available evidence indicates that the variant is pathogenic, but additional data are needed to prove that conclusively. Therefore, this variant has been classified as Likely Pathogenic.

Women's Health and Genetics/Laboratory Corporation of America, LabCorp
Classification: Likely pathogenic for Neuronal ceroid lipofuscinosis. Last evaluated: 2017-05-01. Review status: criteria provided, single submitter. Criteria: LabCorp Variant Classification Summary - May 2015. Collection method: clinical testing. Allele origin: germline.
Comment: Variant summary: The TPP1 c.381-2A>G (IVS4-2A>G) variant involves the alteration of a conserved intronic nucleotide. One in silico tool predicts a damaging outcome for this variant. 5/5 splice prediction tools predict significant impact on normal splicing-loss of canonical splicing acceptor site. ESEfinder predicts changes of binding motifs for splicing enhancers. Consistently, Xiong_2015 used computational modeling and predicted variant to induce large splicing changes. However, these predictions have yet to be confirmed by functional studies. This variant is absent in 121164 control chromosomes. Taken together, due to lack of clinical and functional evidence, this variant is classified as likely pathogenic.

Counsyl
Classification: Likely pathogenic for Neuronal ceroid lipofuscinosis 2. Last evaluated: 2017-11-17. Review status: no assertion criteria provided. Collection method: clinical testing. Allele origin: unknown. Not counted in ClinVar's aggregate classification.

Literature cited by the submitters: PubMed 16199547 (cited by Labcorp Genetics (formerly Invitae), Labcorp); PubMed 10330339 (cited by Labcorp Genetics (formerly Invitae), Labcorp); PubMed 11339651 (cited by 3 submitters); PubMed 25525159 (cited by Women's Health and Genetics/Laboratory Corporation of America, LabCorp and Counsyl).

NM_000391.4(TPP1):c.381-2A>G

Gene: TPP1 (tripeptidyl peptidase 1; minus strand). Cytogenetic location: 11p15.4.
Variant type: single nucleotide variant.
Coding change: c.381-2A>G on transcript NM_000391.4 (MANE Select); the canonical splice acceptor site of the intron before coding-DNA position 381, A replaced by G.
Molecular consequence: splice acceptor variant.
Genome position (GRCh38, 1-based): chr11:6,617,430, T>C on the plus strand (A>G on the coding strand, the complement: TPP1 is on the minus strand). VCF-style: chr11-6617430-T-C. GRCh37 (hg19) VCF-style: chr11-6638661-T-C.
Identifiers: ClinVar variation 495859 (VCV000495859.9), dbSNP rs1554902052, ClinGen allele CA379476090.